The following is an entry in ClinVar:

NM_004369.4(COL6A3):c.76C>T (p.Gln26Ter)

Gene: COL6A3 (collagen type VI alpha 3 chain; minus strand). Cytogenetic location: 2q37.3.
Variant type: single nucleotide variant.
Coding change: c.76C>T on transcript NM_004369.4 (MANE Select); coding-DNA position 76, C replaced by T.
Protein change: p.Gln26Ter; replaces glutamine 26 with a stop codon.
Molecular consequence: nonsense.
Genome position (GRCh38, 1-based): chr2:237,396,742, G>A on the plus strand (C>T on the coding strand, the complement: COL6A3 is on the minus strand). VCF-style: chr2-237396742-G-A. GRCh37 (hg19) VCF-style: chr2-238305385-G-A.
Other names: c.76C>T, p.Gln26Ter (NM_057164.5, NM_057165.5, NM_057166.5 and 1 more transcripts); short protein forms Q26*.
Identifiers: ClinVar variation 476558 (VCV000476558.19), dbSNP rs763187844, ClinGen allele CA2189961.

ClinVar aggregate classification (germline): Pathogenic/Likely pathogenic. Review status: criteria provided, multiple submitters, no conflicts (2 of 4 stars). 4 submissions from 4 submitters: Pathogenic (3); Likely pathogenic (1). Last evaluated 2025-10-08.

Conditions:
COL6A3-related disorder. Also called: COL6A3-related condition; COL6A3-related disorders.
Bethlem myopathy 1A. Also called: Bethlem Muscular Dystrophy; Bethlem myopathy 1; MYOPATHY, BENIGN CONGENITAL, WITH CONTRACTURES. Identifiers: Orphanet 610, MedGen CN029274, MONDO:0024530, OMIM 158810.

Allele frequency attached by ClinVar (database versions not stated): gnomAD exomes 0.00001 and below 0.00001; TOPMed 0.00002; ExAC 0.00001; gnomAD 0.00001.
gnomAD v4.1: 5 of 1,613,986 alleles (0.00031%); highest among the groups gnomAD compares: Non-Finnish European, 0.00042%; no homozygotes.

Submissions (4):

Labcorp Genetics (formerly Invitae), Labcorp
Classification: Pathogenic for Bethlem myopathy 1A. Last evaluated: 2025-10-08. Review status: criteria provided, single submitter. Criteria: Invitae Variant Classification Sherloc (09022015). Collection method: clinical testing. Allele origin: germline.
Comment: This sequence change creates a premature translational stop signal (p.Gln26*) in the COL6A3 gene. It is expected to result in an absent or disrupted protein product. Loss-of-function variants in COL6A3 are known to be pathogenic (PMID: 26004199). The frequency data for this variant in the population databases is considered unreliable, as metrics indicate poor data quality at this position in the gnomAD database. This premature translational stop signal has been observed in individual(s) with clinical features of autosomal recessive COL6A3-related conditions (PMID: 20976770). ClinVar contains an entry for this variant (Variation ID: 476558). For these reasons, this variant has been classified as Pathogenic.

GeneDx
Classification: Pathogenic. Last evaluated: 2024-09-27. Review status: criteria provided, single submitter. Criteria: GeneDx Variant Classification Process June 2021. Collection method: clinical testing. Allele origin: germline. Affected: yes.
Comment: Not observed at significant frequency in large population cohorts (gnomAD); Nonsense variant predicted to result in protein truncation or nonsense mediated decay in a gene for which loss of function is a known mechanism of disease; This variant is associated with the following publications: (PMID: 20976770)

Blueprint Genetics
Classification: Likely pathogenic for COL6A3-related disorders. Last evaluated: 2022-09-02. Review status: criteria provided, single submitter. Criteria: ACMG Guidelines, 2015. Collection method: clinical testing. Allele origin: germline. Affected: yes. Observed: 2 variant alleles.

Revvity Omics, Revvity
Classification: Pathogenic. Last evaluated: 2019-06-24. Review status: criteria provided, single submitter. Criteria: ACMG Guidelines, 2015. Collection method: clinical testing. Allele origin: germline.

Literature cited by the submitters: PubMed 26004199 (cited by Labcorp Genetics (formerly Invitae), Labcorp); PubMed 20976770 (cited by Labcorp Genetics (formerly Invitae), Labcorp).